The following is an entry in ClinVar:

NM_183357.3(ADCY5):c.3148G>A (p.Ala1050Thr)

Gene: ADCY5 (adenylate cyclase 5; minus strand). Cytogenetic location: 3q21.1.
Variant type: single nucleotide variant.
Coding change: c.3148G>A on transcript NM_183357.3 (MANE Select); coding-DNA position 3148, G replaced by A.
Protein change: p.Ala1050Thr; replaces alanine 1050 with threonine.
Molecular consequence: missense variant.
Genome position (GRCh38, 1-based): chr3:123,291,292, C>T on the plus strand (G>A on the coding strand, the complement: ADCY5 is on the minus strand). VCF-style: chr3-123291292-C-T. GRCh37 (hg19) VCF-style: chr3-123010139-C-T.
Other names: c.2098G>A, p.Ala700Thr (NM_001199642.1); c.3223G>A, p.Ala1075Thr (NM_001378259.1); c.3148G>A (NM_183357.2); short protein forms A1050T, A1075T, A700T.
Identifiers: ClinVar variation 1002309 (VCV001002309.8), dbSNP rs144292688, ClinGen allele CA2576842.

ClinVar aggregate classification (germline): Uncertain significance. Review status: criteria provided, single submitter (1 of 4 stars). 2 submissions from 2 submitters: Uncertain significance (1). 1 of the submissions does not count toward it. Last evaluated 2024-12-11.

Conditions:
ADCY5-related disorder. Also called: ADCY5-related condition.

Allele frequency attached by ClinVar (database versions not stated): gnomAD exomes 0.00001 and 0.00005; TOPMed 0.00004; gnomAD 0.00006 and 0.00007; ExAC 0.00007; ESP Exome Variant Server 0.00008; 1000 Genomes Project 30x 0.00031; 1000 Genomes Project 0.00040.
gnomAD v4.1: 27 of 1,613,948 alleles (0.0017%); highest among the groups gnomAD compares: African/African-American, 0.013%; no homozygotes.

Submissions (2):

Labcorp Genetics (formerly Invitae), Labcorp
Classification: Uncertain significance. Last evaluated: 2024-12-11. Review status: criteria provided, single submitter. Criteria: Invitae Variant Classification Sherloc (09022015). Collection method: clinical testing. Allele origin: germline.
Comment: This sequence change replaces alanine, which is neutral and non-polar, with threonine, which is neutral and polar, at codon 1050 of the ADCY5 protein (p.Ala1050Thr). This variant is present in population databases (rs144292688, gnomAD 0.02%). This variant has not been reported in the literature in individuals affected with ADCY5-related conditions. ClinVar contains an entry for this variant (Variation ID: 1002309). Invitae Evidence Modeling of protein sequence and biophysical properties (such as structural, functional, and spatial information, amino acid conservation, physicochemical variation, residue mobility, and thermodynamic stability) has been performed for this missense variant. However, the output from this modeling did not meet the statistical confidence thresholds required to predict the impact of this variant on ADCY5 protein function. In summary, the available evidence is currently insufficient to determine the role of this variant in disease. Therefore, it has been classified as a Variant of Uncertain Significance.

PreventionGenetics, part of Exact Sciences
Classification: Uncertain significance for ADCY5-related condition. Last evaluated: 2023-11-17. Review status: no assertion criteria provided. Collection method: clinical testing. Allele origin: germline. Not counted in ClinVar's aggregate classification.
Comment: The ADCY5 c.3148G>A variant is predicted to result in the amino acid substitution p.Ala1050Thr. To our knowledge, this variant has not been reported in the literature. This variant is reported in 0.024% of alleles in individuals of African descent in gnomAD. At this time, the clinical significance of this variant is uncertain due to the absence of conclusive functional and genetic evidence.